The following is an entry in ClinVar:

NM_017617.5(NOTCH1):c.7645C>T (p.Arg2549Cys)

Gene: NOTCH1 (notch receptor 1; minus strand). Cytogenetic location: 9q34.3.
Variant type: single nucleotide variant.
Coding change: c.7645C>T on transcript NM_017617.5 (MANE Select); coding-DNA position 7645, C replaced by T.
Protein change: p.Arg2549Cys; replaces arginine 2549 with cysteine.
Molecular consequence: missense variant.
Genome position (GRCh38, 1-based): chr9:136,496,094, G>A on the plus strand (C>T on the coding strand, the complement: NOTCH1 is on the minus strand). VCF-style: chr9-136496094-G-A. GRCh37 (hg19) VCF-style: chr9-139390546-G-A.
Other names: c.7645C>T, p.Arg2549Cys (LRG_1122t1); short protein forms R2549C.
Identifiers: ClinVar variation 134948 (VCV000134948.18), dbSNP rs200893930, ClinGen allele CA161223.

ClinVar aggregate classification (germline): Conflicting classifications of pathogenicity. Review status: criteria provided, conflicting classifications (1 of 4 stars). 4 submissions from 4 submitters: Uncertain significance (1); Likely benign (2). 1 of the submissions does not count toward it. Last evaluated 2026-01-27.

Conditions:
Adams-Oliver syndrome 5 (AOS5). Identifiers: Orphanet 974, MedGen C4014970, MONDO:0014459, OMIM 616028.
Familial thoracic aortic aneurysm and aortic dissection (TAAD). Also called: Thoracic aortic aneurysms and dissections. Identifiers: Orphanet 91387, MedGen C4707243, MONDO:0019625.

Allele frequency attached by ClinVar (database versions not stated): ESP Exome Variant Server 0.00008; TOPMed 0.00008; gnomAD 0.00009 and 0.00010; gnomAD exomes 0.00009 and 0.00014; ExAC 0.00017; 1000 Genomes Project 0.00060; 1000 Genomes Project 30x 0.00062.
gnomAD v4.1: 153 of 1,606,792 alleles (0.0095%); highest among the groups gnomAD compares: East Asian, 0.074%; no homozygotes.

Submissions (4):

Labcorp Genetics (formerly Invitae), Labcorp
Classification: Likely benign for Adams-Oliver syndrome 5. Last evaluated: 2026-01-27. Review status: criteria provided, single submitter. Criteria: Invitae Variant Classification Sherloc (09022015). Collection method: clinical testing. Allele origin: germline.

GeneDx
Classification: Likely benign. Last evaluated: 2021-07-01. Review status: criteria provided, single submitter. Criteria: GeneDx Variant Classification Process June 2021. Collection method: clinical testing. Allele origin: germline. Affected: yes.
Comment: This variant is associated with the following publications: (PMID: 26582918, 28074886, 24728327, 28880023)

Ambry Genetics
Classification: Uncertain significance for Familial thoracic aortic aneurysm and aortic dissection. Last evaluated: 2016-03-25. Review status: criteria provided, single submitter. Criteria: Ambry Variant Classification Scheme 2023. Collection method: clinical testing. Allele origin: germline.

ITMI
No classification provided. Condition: AllHighlyPenetrant. Last evaluated: 2013-09-19. Review status: no classification provided. Collection method: reference population. Allele origin: germline. Not counted in ClinVar's aggregate classification.
Comment: Please see associated publication for description of ethnicities

Literature cited by the submitters: PubMed 24728327 (cited by ITMI).